The following is an entry in ClinVar:

ClinVar aggregate classification (germline): Uncertain significance (1 of 4 stars; one submission).

Conditions:
Hereditary cancer-predisposing syndrome. Also called: Hereditary Cancer Syndrome; Hereditary neoplastic syndrome; Neoplastic Syndromes, Hereditary; Tumor predisposition. Identifiers: Orphanet 140162, MedGen C0027672, MeSH D009386, MONDO:0015356.

Submission:

Ambry Genetics
Classification: Uncertain significance for Hereditary cancer-predisposing syndrome. Last evaluated: 2021-05-21. Review status: criteria provided, single submitter. Criteria: Ambry Variant Classification Scheme 2023. Collection method: clinical testing. Allele origin: germline.
Comment: The p.R1529G variant (also known as c.4585C>G), located in coding exon 35 of the TSC2 gene, results from a C to G substitution at nucleotide position 4585. The arginine at codon 1529 is replaced by glycine, an amino acid with dissimilar properties. This amino acid position is highly conserved in available vertebrate species. In addition, this alteration is predicted to be deleterious by in silico analysis. Since supporting evidence is limited at this time, the clinical significance of this alteration remains unclear.

NM_000548.5(TSC2):c.4585C>G (p.Arg1529Gly)

Gene: TSC2 (TSC complex subunit 2; plus strand). Cytogenetic location: 16p13.3.
Variant type: single nucleotide variant.
Coding change: c.4585C>G on transcript NM_000548.5 (MANE Select); coding-DNA position 4585, C replaced by G.
Protein change: p.Arg1529Gly; replaces arginine 1529 with glycine.
Molecular consequence: missense variant.
Genome position (GRCh38, 1-based): chr16:2,085,245, C>G. VCF-style: chr16-2085245-C-G. GRCh37 (hg19) VCF-style: chr16-2135246-C-G.
Other names: c.4384C>G, p.Arg1462Gly (NM_001077183.3); c.4516C>G, p.Arg1506Gly (NM_001114382.3); c.4276C>G, p.Arg1426Gly (NM_001318827.2); c.4240C>G, p.Arg1414Gly (NM_001318829.2); c.3853C>G, p.Arg1285Gly (NM_001318831.2); c.4417C>G, p.Arg1473Gly (NM_001318832.2); c.4387C>G, p.Arg1463Gly (NM_001363528.2); c.4453C>G, p.Arg1485Gly (NM_001370404.1); and 26 more; short protein forms R1306G, R1413G, R1426G, R1456G, R1457G, R1459G, R1485G, R1528G.
Identifiers: ClinVar variation 1741666 (VCV001741666.2), dbSNP rs1051502900, ClinGen allele CA394304450.